The following is an entry in ClinVar:

NM_015512.5(DNAH1):c.5348G>A (p.Arg1783Gln)

Gene: DNAH1 (dynein axonemal heavy chain 1; plus strand). Cytogenetic location: 3p21.1.
Variant type: single nucleotide variant.
Coding change: c.5348G>A on transcript NM_015512.5 (MANE Select); coding-DNA position 5348, G replaced by A.
Protein change: p.Arg1783Gln; replaces arginine 1783 with glutamine.
Molecular consequence: missense variant.
Genome position (GRCh38, 1-based): chr3:52,364,849, G>A. VCF-style: chr3-52364849-G-A. GRCh37 (hg19) VCF-style: chr3-52398865-G-A.
Other names: short protein forms R1783Q.
Identifiers: ClinVar variation 570916 (VCV000570916.7), dbSNP rs371787188, ClinGen allele CA2434192.

ClinVar aggregate classification (germline): Uncertain significance. Review status: criteria provided, multiple submitters, no conflicts (2 of 4 stars). 2 submissions from 2 submitters: Uncertain significance (2). Last evaluated 2024-08-31.

Conditions:
Spermatogenic failure 18. Identifiers: MedGen C4539783, MONDO:0054615, OMIM 617576.
Ciliary dyskinesia, primary, 37 (CILD37). Also called: CILIARY DYSKINESIA, PRIMARY, 37, WITH OR WITHOUT SITUS INVERSUS. Identifiers: MedGen C4539798, MONDO:0033204, OMIM 617577.

Allele frequency attached by ClinVar (database versions not stated): TOPMed 0.00002; gnomAD 0.00003; ESP Exome Variant Server 0.00008.
gnomAD v4.1: 105 of 1,613,742 alleles (0.0065%); highest among the groups gnomAD compares: South Asian, 0.089%; 1 homozygote.

Submissions (2):

Labcorp Genetics (formerly Invitae), Labcorp
Classification: Uncertain significance for Ciliary dyskinesia, primary, 37; Spermatogenic failure 18. Last evaluated: 2024-08-31. Review status: criteria provided, single submitter. Criteria: Invitae Variant Classification Sherloc (09022015). Collection method: clinical testing. Allele origin: germline.
Comment: This sequence change replaces arginine, which is basic and polar, with glutamine, which is neutral and polar, at codon 1783 of the DNAH1 protein (p.Arg1783Gln). This variant is present in population databases (rs371787188, gnomAD 0.1%). This variant has not been reported in the literature in individuals affected with DNAH1-related conditions. ClinVar contains an entry for this variant (Variation ID: 570916). An algorithm developed to predict the effect of missense changes on protein structure and function outputs the following: PolyPhen-2: "Possibly Damaging". The glutamine amino acid residue is found in multiple mammalian species, which suggests that this missense change does not adversely affect protein function. Algorithms developed to predict the effect of sequence changes on RNA splicing suggest that this variant may disrupt the consensus splice site. In summary, the available evidence is currently insufficient to determine the role of this variant in disease. Therefore, it has been classified as a Variant of Uncertain Significance.

GeneDx
Classification: Uncertain significance. Last evaluated: 2023-10-02. Review status: criteria provided, single submitter. Criteria: GeneDx Variant Classification Process June 2021. Collection method: clinical testing. Allele origin: germline. Affected: yes.
Comment: In silico analysis supports that this missense variant has a deleterious effect on protein structure/function; In silico analysis supports a deleterious effect on splicing; Has not been previously published as pathogenic or benign to our knowledge